The following is an entry in ClinVar:

NM_001379291.1(BRD4):c.3783-3C>T

Gene: BRD4 (bromodomain containing 4; minus strand). Cytogenetic location: 19p13.12.
Variant type: single nucleotide variant.
Coding change: c.3783-3C>T on transcript NM_001379291.1 (MANE Select); 3 bases into the intron before coding-DNA position 3783, C replaced by T.
Molecular consequence: intron variant.
Genome position (GRCh38, 1-based): chr19:15,238,983, G>A on the plus strand (C>T on the coding strand, the complement: BRD4 is on the minus strand). VCF-style: chr19-15238983-G-A. GRCh37 (hg19) VCF-style: chr19-15349794-G-A.
Other names: c.3783-3C>T (NM_058243.3).
Identifiers: ClinVar variation 3699191 (VCV003699191.2).
Genomic context (GRCh38, chr19:15,238,983, plus strand): 5'-ACGTGCCTCCTCATGGGCCCGCCGGGCCTGCTCCAGCGCATCCTCGTCCTCTCGGCTCCT[G>A]GGCAGAGGGTCCCAGTCAGCCTGGGGACTGGTGTGGCCCCAAGAGTCCCCATGCCCCACC-3'

ClinVar aggregate classification (germline): Uncertain significance (1 of 4 stars; one submission).

gnomAD v4.1: 2 of 1,582,594 alleles (0.00013%); highest among the groups gnomAD compares: Non-Finnish European, 0.00017%; no homozygotes.

Submission:

Labcorp Genetics (formerly Invitae), Labcorp
Classification: Uncertain significance. Last evaluated: 2024-02-15. Review status: criteria provided, single submitter. Criteria: Invitae Variant Classification Sherloc (09022015). Collection method: clinical testing. Allele origin: germline.
Comment: This sequence change falls in intron 18 of the BRD4 gene. It does not directly change the encoded amino acid sequence of the BRD4 protein. It affects a nucleotide within the consensus splice site. This variant is not present in population databases (gnomAD no frequency). This variant has not been reported in the literature in individuals affected with BRD4-related conditions. Variants that disrupt the consensus splice site are a relatively common cause of aberrant splicing (PMID: 17576681, 9536098). Algorithms developed to predict the effect of sequence changes on RNA splicing suggest that this variant is not likely to affect RNA splicing. In summary, the available evidence is currently insufficient to determine the role of this variant in disease. Therefore, it has been classified as a Variant of Uncertain Significance.

Literature cited by the submitters: PubMed 17576681; PubMed 9536098.